The following is an entry in ClinVar:

ClinVar aggregate classification (germline): Uncertain significance. Review status: criteria provided, multiple submitters, no conflicts (2 of 4 stars). 2 submissions from 2 submitters: Uncertain significance (2). Last evaluated 2025-07-15.

Conditions:
Inborn genetic diseases. Identifiers: MedGen C0950123, MeSH D030342.

gnomAD v4.1: 64 of 1,614,024 alleles (0.004%); highest among the groups gnomAD compares: Admixed American, 0.0067%; no homozygotes.

Submissions (2):

Ambry Genetics
Classification: Uncertain significance for Inborn genetic diseases. Last evaluated: 2025-07-15. Review status: criteria provided, single submitter. Criteria: Ambry Variant Classification Scheme 2023. Collection method: clinical testing. Allele origin: germline.

GeneDx
Classification: Uncertain significance. Last evaluated: 2024-06-03. Review status: criteria provided, single submitter. Criteria: GeneDx Variant Classification Process June 2021. Collection method: clinical testing. Allele origin: germline. Affected: yes.
Comment: In silico analysis supports that this missense variant has a deleterious effect on protein structure/function; Has not been previously published as pathogenic or benign to our knowledge

NM_003118.4(SPARC):c.695A>G (p.His232Arg)

Gene: SPARC (secreted protein acidic and cysteine rich; minus strand). Cytogenetic location: 5q33.1.
Variant type: single nucleotide variant.
Coding change: c.695A>G on transcript NM_003118.4 (MANE Select); coding-DNA position 695, A replaced by G.
Protein change: p.His232Arg; replaces histidine 232 with arginine.
Molecular consequence: missense variant.
Genome position (GRCh38, 1-based): chr5:151,666,400, T>C on the plus strand (A>G on the coding strand, the complement: SPARC is on the minus strand). VCF-style: chr5-151666400-T-C. GRCh37 (hg19) VCF-style: chr5-151045961-T-C.
Other names: c.695A>G (NM_003118.2); c.692A>G, p.His231Arg (NM_001309443.2); c.695A>G, p.His232Arg (NM_001309444.2); short protein forms H231R, H232R.
Identifiers: ClinVar variation 3384614 (VCV003384614.2).
Genomic context (GRCh38, chr5:151,666,400, plus strand): 5'-CTCTAGGGTCTGGGGTCTTACCCGTCAATGGGGTGCTGGTCCAGCTGGCCGAACTGCCAG[T>C]GTACAGGGAAGATGTACATGTTATAGTTCTTCTCGAAGTCCCGGGCCAGCAGCTCCACGG-3'
Protein context (NP_003109.1, residues 222-242): KNYNMYIFPV[His232Arg]WQFGQLDQHP